The following is an entry in ClinVar:

ClinVar aggregate classification (germline): Pathogenic (1 of 4 stars; one submission).

Conditions:
Glycogen storage disease type III (GSD3). Also called: Cori disease; FORBES DISEASE. Identifiers: Orphanet 366, MedGen C0017922, MONDO:0009291, OMIM 232400.

Submission:

Myriad Genetics, Inc.
Classification: Pathogenic for Glycogen storage disease type III. Last evaluated: 2025-12-01. Review status: criteria provided, single submitter. Criteria: Myriad Autosomal Dominant, Autosomal Recessive and X-Linked Classification Criteria (2023). Collection method: clinical testing. Allele origin: unknown.
Comment: NM_000642.2(AGL):c.3423_3424delTG(E1142Rfs*24) is a frameshift variant classified as pathogenic in the context of glycogen storage disease type III. E1142Rfs*24 has been observed in a case with relevant disease (PMID: 26984562). Relevant functional assessments of this variant are not available in the literature. E1142Rfs*24 has not been observed in referenced population frequency databases. In summary, NM_000642.2(AGL):c.3423_3424delTG(E1142Rfs*24) is a frameshift variant in a gene where loss of function is a known mechanism of disease, is predicted to disrupt protein function, and has been observed more frequently in cases with the relevant disease than in healthy populations. Please note: this variant was assessed in the context of healthy population screening.

Literature cited by the submitters: PubMed 26984562.

NM_000642.3(AGL):c.3423_3424del (p.Glu1142fs)

Gene: AGL (amylo-alpha-1,6-glucosidase and 4-alpha-glucanotransferase; plus strand). Cytogenetic location: 1p21.2.
Variant type: Deletion.
Coding change: c.3423_3424del on transcript NM_000642.3 (MANE Select); coding-DNA positions 3423 to 3424, 2 bases deleted (TG; older notation c.3423_3424delTG).
Protein change: p.Glu1142fs; shifts the reading frame from glutamic acid 1142.
Molecular consequence: frameshift variant.
Genome position (GRCh38, 1-based): chr1:99,900,696-99,900,697, TG deleted; deleting any 2 consecutive bases within chr1:99,900,695-99,900,697 gives the same sequence; the c. name uses the placement nearest the transcript's 3' end. VCF-style (leftmost placement, unchanged base first): chr1-99900694-GGT-G. GRCh37 (hg19) VCF-style: chr1-100366250-GGT-G.
Other names: c.3423_3424del, p.Glu1142fs (NM_000028.3, NM_000643.3, NM_000644.3 and 1 more transcripts); c.3375_3376del, p.Glu1126fs (NM_000646.3); c.3402_3403del, p.Glu1135fs (NM_001425326.1); c.3222_3223del, p.Glu1075fs (NM_001425327.1); c.3219_3220del, p.Glu1074fs (NM_001425328.1); c.3084_3085del, p.Glu1029fs (NM_001425329.1); c.3045_3046del, p.Glu1016fs (NM_001425332.1); short protein forms E1016fs, E1126fs, E1135fs, E1029fs, E1075fs, E1142fs, E1074fs.
Identifiers: ClinVar variation 5003316 (VCV005003316.1).